The following is an entry in ClinVar:

NM_014629.4(ARHGEF10):c.413A>G (p.Asn138Ser)

Gene: ARHGEF10 (Rho guanine nucleotide exchange factor 10; plus strand). Cytogenetic location: 8p23.3.
Variant type: single nucleotide variant.
Coding change: c.413A>G on transcript NM_014629.4 (MANE Select); coding-DNA position 413, A replaced by G.
Protein change: p.Asn138Ser; replaces asparagine 138 with serine.
Molecular consequence: missense variant.
Genome position (GRCh38, 1-based): chr8:1,860,116, A>G. VCF-style: chr8-1860116-A-G. GRCh37 (hg19) VCF-style: chr8-1808282-A-G.
Other names: c.413A>G, p.Asn138Ser (NM_001308152.2, NM_001308153.3); short protein forms N138S, N162S.
Identifiers: ClinVar variation 3617250 (VCV003617250.2).

ClinVar aggregate classification (germline): Uncertain significance (1 of 4 stars; one submission).

gnomAD v4.1: 2 of 1,613,770 alleles (0.00012%); highest among the groups gnomAD compares: Admixed American, 0.0033%; no homozygotes.

Submission:

Labcorp Genetics (formerly Invitae), Labcorp
Classification: Uncertain significance. Last evaluated: 2024-02-02. Review status: criteria provided, single submitter. Criteria: Invitae Variant Classification Sherloc (09022015). Collection method: clinical testing. Allele origin: germline.
Comment: This sequence change replaces asparagine, which is neutral and polar, with serine, which is neutral and polar, at codon 138 of the ARHGEF10 protein (p.Asn138Ser). This variant is not present in population databases (gnomAD no frequency). This variant has not been reported in the literature in individuals affected with ARHGEF10-related conditions. Algorithms developed to predict the effect of missense changes on protein structure and function output the following: SIFT: "Not Available"; PolyPhen-2: "Benign"; Align-GVGD: "Not Available". The serine amino acid residue is found in multiple mammalian species, which suggests that this missense change does not adversely affect protein function. In summary, the available evidence is currently insufficient to determine the role of this variant in disease. Therefore, it has been classified as a Variant of Uncertain Significance.